The following is an entry in ClinVar:

ClinVar aggregate classification (germline): Uncertain significance (1 of 4 stars; one submission).

Conditions:
Pallister-Hall syndrome (PHS). Also called: GLI3-Related Pallister-Hall Syndrome; HYPOTHALAMIC HAMARTOBLASTOMA, HYPOPITUITARISM, IMPERFORATE ANUS, AND POSTAXIAL POLYDACTYLY. Identifiers: Orphanet 672, MedGen C0265220, MONDO:0007804, OMIM 146510.
Greig cephalopolysyndactyly syndrome (GCPS). Also called: POLYSYNDACTYLY WITH PECULIAR SKULL SHAPE; Greig syndrome; GLI3-Related Greig Cephalopolysyndactyly Syndrome. Identifiers: Orphanet 380, MedGen C0265306, MONDO:0008287, OMIM 175700.

Allele frequency attached by ClinVar (database versions not stated): gnomAD exomes below 0.00001.
gnomAD v4.1: 1 of 1,613,966 alleles (0.000062%); highest among the groups gnomAD compares: South Asian, 0.0011%; no homozygotes.

Submission:

Labcorp Genetics (formerly Invitae), Labcorp
Classification: Uncertain significance for Pallister-Hall syndrome; Greig cephalopolysyndactyly syndrome. Last evaluated: 2022-10-17. Review status: criteria provided, single submitter. Criteria: Invitae Variant Classification Sherloc (09022015). Collection method: clinical testing. Allele origin: germline.
Comment: This sequence change replaces methionine, which is neutral and non-polar, with valine, which is neutral and non-polar, at codon 309 of the GLI3 protein (p.Met309Val). This variant is not present in population databases (gnomAD no frequency). This variant has not been reported in the literature in individuals affected with GLI3-related conditions. Advanced modeling of protein sequence and biophysical properties (such as structural, functional, and spatial information, amino acid conservation, physicochemical variation, residue mobility, and thermodynamic stability) performed at Invitae indicates that this missense variant is not expected to disrupt GLI3 protein function. In summary, the available evidence is currently insufficient to determine the role of this variant in disease. Therefore, it has been classified as a Variant of Uncertain Significance.

NM_000168.6(GLI3):c.925A>G (p.Met309Val)

Gene: GLI3 (GLI family zinc finger 3; minus strand). Cytogenetic location: 7p14.1.
Variant type: single nucleotide variant.
Coding change: c.925A>G on transcript NM_000168.6 (MANE Select); coding-DNA position 925, A replaced by G.
Protein change: p.Met309Val; replaces methionine 309 with valine.
Molecular consequence: missense variant.
Genome position (GRCh38, 1-based): chr7:42,040,141, T>C on the plus strand (A>G on the coding strand, the complement: GLI3 is on the minus strand). VCF-style: chr7-42040141-T-C. GRCh37 (hg19) VCF-style: chr7-42079740-T-C.
Other names: short protein forms M309V.
Identifiers: ClinVar variation 1937369 (VCV001937369.5), dbSNP rs2484693111, ClinGen allele CA367329623.